The following is an entry in ClinVar:

NM_001378609.3(OTOGL):c.5453C>A (p.Pro1818His)

Gene: OTOGL (otogelin like; plus strand). Cytogenetic location: 12q21.31.
Variant type: single nucleotide variant.
Coding change: c.5453C>A on transcript NM_001378609.3 (MANE Select); coding-DNA position 5453, C replaced by A.
Protein change: p.Pro1818His; replaces proline 1818 with histidine.
Molecular consequence: missense variant.
Genome position (GRCh38, 1-based): chr12:80,353,370, C>A. VCF-style: chr12-80353370-C-A. GRCh37 (hg19) VCF-style: chr12-80747150-C-A.
Other names: c.5426C>A (NM_173591.3); c.5318C>A, p.Pro1773His (NM_001368062.3); c.5453C>A, p.Pro1818His (NM_001378610.3, NM_173591.7); short protein forms P1773H, P1818H.
Identifiers: ClinVar variation 2043619 (VCV002043619.6), dbSNP rs146002269, ClinGen allele CA6701722.

ClinVar aggregate classification (germline): Uncertain significance. Review status: criteria provided, multiple submitters, no conflicts (2 of 4 stars). 4 submissions from 4 submitters: Uncertain significance (4). Last evaluated 2024-10-26.

Allele frequency attached by ClinVar (database versions not stated): gnomAD exomes 0.00004; ExAC 0.00022; ESP Exome Variant Server 0.00025; 1000 Genomes Project 0.00040; 1000 Genomes Project 30x 0.00047; gnomAD 0.00047; TOPMed 0.00049.
gnomAD v4.1: 133 of 1,600,458 alleles (0.0083%); highest among the groups gnomAD compares: African/African-American, 0.16%; no homozygotes.

Submissions (4):

Labcorp Genetics (formerly Invitae), Labcorp
Classification: Uncertain significance. Last evaluated: 2024-10-26. Review status: criteria provided, single submitter. Criteria: Invitae Variant Classification Sherloc (09022015). Collection method: clinical testing. Allele origin: germline.
Comment: This sequence change replaces proline, which is neutral and non-polar, with histidine, which is basic and polar, at codon 1809 of the OTOGL protein (p.Pro1809His). This variant is present in population databases (rs146002269, gnomAD 0.1%). This variant has not been reported in the literature in individuals affected with OTOGL-related conditions. ClinVar contains an entry for this variant (Variation ID: 2043619). An algorithm developed to predict the effect of missense changes on protein structure and function (PolyPhen-2) suggests that this variant is likely to be disruptive. In summary, the available evidence is currently insufficient to determine the role of this variant in disease. Therefore, it has been classified as a Variant of Uncertain Significance.

Blueprint Genetics
Classification: Uncertain significance. Last evaluated: 2024-10-02. Review status: criteria provided, single submitter. Criteria: ACMG Guidelines, 2015. Collection method: clinical testing. Allele origin: germline.

GeneDx
Classification: Uncertain significance. Last evaluated: 2024-07-22. Review status: criteria provided, single submitter. Criteria: GeneDx Variant Classification Process June 2021. Collection method: clinical testing. Allele origin: germline. Affected: yes.
Comment: In silico analysis supports that this missense variant has a deleterious effect on protein structure/function; Has not been previously published as pathogenic or benign to our knowledge

Laboratory for Molecular Medicine, Mass General Brigham Personalized Medicine
Classification: Uncertain significance. Last evaluated: 2022-02-23. Review status: criteria provided, single submitter. Criteria: ACMG Guidelines, 2015. Collection method: clinical testing. Allele origin: germline.
Comment: The p.Pro1809His variant in OTOGL has not been previously reported in individuals with hearing loss but has been identified in 0.14% (33/22810) of African chromosomes by gnomAD. Computational prediction tools and conservation analyses do not provide strong support for or against an impact to the protein. In summary, while the clinical significance of this variant is uncertain, its frequency suggests that it is more likely to be benign. ACMG/AMP Criteria applied: BS1_Supporting.